The following is an entry in ClinVar:

ClinVar aggregate classification (germline): Uncertain significance. Review status: criteria provided, multiple submitters, no conflicts (2 of 4 stars). 2 submissions from 2 submitters: Uncertain significance (2). Last evaluated 2025-09-30.

Conditions:
Emery-Dreifuss muscular dystrophy 5, autosomal dominant (EDMD5). Also called: EMERY-DREIFUSS MUSCULAR DYSTROPHY 5. Identifiers: Orphanet 261, MedGen C2751805, MONDO:0013072, OMIM 612999.

Allele frequency attached by ClinVar (database versions not stated): gnomAD 0.00001.
gnomAD v4.1: 1 of 1,612,550 alleles (0.000062%); highest among the groups gnomAD compares: African/African-American, 0.0013%; no homozygotes.

Submissions (2):

Women's Health and Genetics/Laboratory Corporation of America, LabCorp
Classification: Uncertain significance. Last evaluated: 2025-09-30. Review status: criteria provided, single submitter. Criteria: LabCorp Variant Classification Summary - May 2015. Collection method: clinical testing. Allele origin: germline.
Comment: Variant summary: SYNE2 c.8903T>C (p.Leu2968Ser) results in a non-conservative amino acid change in the encoded protein sequence. Algorithms developed to predict the effect of missense changes on protein structure and function are either unavailable or do not agree on the potential impact of this missense change. The variant was absent in 247000 control chromosomes. The available data on variant occurrences in the general population are insufficient to allow any conclusion about variant significance. To our knowledge, no occurrence of c.8903T>C in individuals affected with SYNE2-related conditions and no experimental evidence demonstrating its impact on protein function have been reported. ClinVar contains an entry for this variant (Variation ID: 1004883). Based on the evidence outlined above, the variant was classified as uncertain significance.

Labcorp Genetics (formerly Invitae), Labcorp
Classification: Uncertain significance for Emery-Dreifuss muscular dystrophy 5, autosomal dominant. Last evaluated: 2022-08-23. Review status: criteria provided, single submitter. Criteria: Invitae Variant Classification Sherloc (09022015). Collection method: clinical testing. Allele origin: germline.
Comment: In summary, the available evidence is currently insufficient to determine the role of this variant in disease. Therefore, it has been classified as a Variant of Uncertain Significance. Algorithms developed to predict the effect of missense changes on protein structure and function are either unavailable or do not agree on the potential impact of this missense change (SIFT: "Tolerated"; PolyPhen-2: "Probably Damaging"; Align-GVGD: "Class C0"). ClinVar contains an entry for this variant (Variation ID: 1004883). This variant has not been reported in the literature in individuals affected with SYNE2-related conditions. This variant is not present in population databases (gnomAD no frequency). This sequence change replaces leucine, which is neutral and non-polar, with serine, which is neutral and polar, at codon 2968 of the SYNE2 protein (p.Leu2968Ser).

NM_182914.3(SYNE2):c.8903T>C (p.Leu2968Ser)

Gene: SYNE2 (spectrin repeat containing nuclear envelope protein 2; plus strand). Cytogenetic location: 14q23.2.
Variant type: single nucleotide variant.
Coding change: c.8903T>C on transcript NM_182914.3 (MANE Select); coding-DNA position 8903, T replaced by C.
Protein change: p.Leu2968Ser; replaces leucine 2968 with serine.
Molecular consequence: missense variant.
Genome position (GRCh38, 1-based): chr14:64,052,816, T>C. VCF-style: chr14-64052816-T-C. GRCh37 (hg19) VCF-style: chr14-64519534-T-C.
Other names: c.8903T>C, p.Leu2968Ser (NM_015180.6); short protein forms L2968S.
Identifiers: ClinVar variation 1004883 (VCV001004883.9), dbSNP rs2097237434, ClinGen allele CA389972851.